The following is an entry in ClinVar:

NM_133259.4(LRPPRC):c.2012dup (p.Ala673fs)

Gene: LRPPRC (leucine rich pentatricopeptide repeat containing; minus strand). Cytogenetic location: 2p21.
Variant type: Duplication.
Coding change: c.2012dup on transcript NM_133259.4 (MANE Select); coding-DNA position 2012, one base duplicated (T; older notation c.2012dupT).
Protein change: p.Ala673fs; shifts the reading frame from alanine 673.
Molecular consequence: frameshift variant.
Genome position (GRCh38, 1-based): chr2:43,947,324, A duplicated on the plus strand (T on the coding strand, the reverse complement: LRPPRC is on the minus strand). VCF-style (leftmost placement, unchanged base first): chr2-43947323-T-TA. GRCh37 (hg19) VCF-style: chr2-44174462-T-TA.
Other names: short protein forms A673fs.
Identifiers: ClinVar variation 4850626 (VCV004850626.1).

ClinVar aggregate classification (germline): Likely pathogenic (1 of 4 stars; one submission).

Conditions:
Congenital lactic acidosis, Saguenay-Lac-Saint-Jean type (MC4DN5). Also called: CYTOCHROME c OXIDASE DEFICIENCY, FRENCH CANADIAN TYPE; COX DEFICIENCY, FRENCH CANADIAN TYPE; MITOCHONDRIAL COMPLEX IV DEFICIENCY, NUCLEAR TYPE 5. Identifiers: Orphanet 70472, MedGen C1857355, MONDO:0009069, OMIM 220111.

Submission:

First Genomix Gene Laboratory, Genetic Diagnostics Department
Classification: Likely pathogenic for Congenital lactic acidosis, Saguenay-Lac-Saint-Jean type. Last evaluated: 2025-12-31. Review status: criteria provided, single submitter. Criteria: ACMG Guidelines, 2015. Collection method: clinical testing. Allele origin: germline. Inheritance: Autosomal recessive inheritance. Affected: no. Observed: 1 variant allele.